The following is an entry in ClinVar:

NM_001379110.1(SLC9A6):c.1664A>G (p.Tyr555Cys)

Gene: SLC9A6 (solute carrier family 9 member A6; plus strand). Cytogenetic location: Xq26.3.
Variant type: single nucleotide variant.
Coding change: c.1664A>G on transcript NM_001379110.1 (MANE Select); coding-DNA position 1664, A replaced by G.
Protein change: p.Tyr555Cys; replaces tyrosine 555 with cysteine.
Molecular consequence: missense variant.
Genome position (GRCh38, 1-based): chrX:136,040,078, A>G. VCF-style: chrX-136040078-A-G. GRCh37 (hg19) VCF-style: chrX-135122237-A-G.
Other names: c.1730A>G, p.Tyr577Cys (NM_001042537.2); c.1574A>G, p.Tyr525Cys (NM_001177651.2, NM_001400909.1, NM_001400910.1 and 2 more transcripts); c.1478A>G, p.Tyr493Cys (NM_001330652.2, NM_001400913.1); c.1634A>G, p.Tyr545Cys (NM_006359.3); short protein forms Y493C, Y525C, Y545C, Y555C, Y577C.
Identifiers: ClinVar variation 2189464 (VCV002189464.4), dbSNP rs2521459703, ClinGen allele CA414755961.

ClinVar aggregate classification (germline): Uncertain significance (1 of 4 stars; one submission).

Conditions:
Christianson syndrome (MRXSCH). Also called: X-linked mental retardation, syndromic, Christianson type; SLC9A6-Related Syndromic Mental Retardation; INTELLECTUAL DEVELOPMENTAL DISORDER, X-LINKED, SYNDROMIC, CHRISTIANSON TYPE. Identifiers: Orphanet 85278, MedGen C2678194, MONDO:0010278, OMIM 300243.

Submission:

Labcorp Genetics (formerly Invitae), Labcorp
Classification: Uncertain significance for Christianson syndrome. Last evaluated: 2024-10-26. Review status: criteria provided, single submitter. Criteria: Invitae Variant Classification Sherloc (09022015). Collection method: clinical testing. Allele origin: germline.
Comment: This sequence change replaces tyrosine, which is neutral and polar, with cysteine, which is neutral and slightly polar, at codon 545 of the SLC9A6 protein (p.Tyr545Cys). This variant is not present in population databases (gnomAD no frequency). This variant has not been reported in the literature in individuals affected with SLC9A6-related conditions. ClinVar contains an entry for this variant (Variation ID: 2189464). An algorithm developed to predict the effect of missense changes on protein structure and function (PolyPhen-2) suggests that this variant is likely to be disruptive. In summary, the available evidence is currently insufficient to determine the role of this variant in disease. Therefore, it has been classified as a Variant of Uncertain Significance.